The following is an entry in ClinVar:

ClinVar aggregate classification (germline): Uncertain significance. Review status: criteria provided, multiple submitters, no conflicts (2 of 4 stars). 2 submissions from 2 submitters: Uncertain significance (2). Last evaluated 2026-06-01.

Conditions:
Hereditary cancer-predisposing syndrome. Also called: Neoplastic Syndromes, Hereditary; Tumor predisposition; Hereditary Cancer Syndrome; Hereditary neoplastic syndrome. Identifiers: Orphanet 140162, MedGen C0027672, MeSH D009386, MONDO:0015356.

Submissions (2):

Ambry Genetics
Classification: Uncertain significance for Hereditary cancer-predisposing syndrome. Last evaluated: 2026-06-01. Review status: criteria provided, single submitter. Criteria: Ambry Variant Classification Scheme 2023. Collection method: clinical testing. Allele origin: germline.
Comment: The p.L1677F variant (also known as c.5029C>T), located in coding exon 38 of the POLE gene, results from a C to T substitution at nucleotide position 5029. The leucine at codon 1677 is replaced by phenylalanine, an amino acid with highly similar properties. This amino acid position is highly conserved in available vertebrate species. In addition, this alteration is predicted to be deleterious by in silico analysis. Based on the available evidence, the clinical significance of this variant remains unclear.

Labcorp Genetics (formerly Invitae), Labcorp
Classification: Uncertain significance. Last evaluated: 2025-07-14. Review status: criteria provided, single submitter. Criteria: Invitae Variant Classification Sherloc (09022015). Collection method: clinical testing. Allele origin: germline.
Comment: This sequence change replaces leucine, which is neutral and non-polar, with phenylalanine, which is neutral and non-polar, at codon 1677 of the POLE protein (p.Leu1677Phe). This variant is not present in population databases (gnomAD no frequency). This variant has not been reported in the literature in individuals affected with POLE-related conditions. Invitae Evidence Modeling of protein sequence and biophysical properties (such as structural, functional, and spatial information, amino acid conservation, physicochemical variation, residue mobility, and thermodynamic stability) indicates that this missense variant is expected to disrupt POLE protein function with a positive predictive value of 80%. In summary, the available evidence is currently insufficient to determine the role of this variant in disease. Therefore, it has been classified as a Variant of Uncertain Significance.

NM_006231.4(POLE):c.5029C>T (p.Leu1677Phe)

Gene: POLE (DNA polymerase epsilon, catalytic subunit; minus strand). Cytogenetic location: 12q24.33.
Variant type: single nucleotide variant.
Coding change: c.5029C>T on transcript NM_006231.4 (MANE Select); coding-DNA position 5029, C replaced by T.
Protein change: p.Leu1677Phe; replaces leucine 1677 with phenylalanine.
Molecular consequence: missense variant.
Genome position (GRCh38, 1-based): chr12:132,642,321, G>A on the plus strand (C>T on the coding strand, the complement: POLE is on the minus strand). VCF-style: chr12-132642321-G-A. GRCh37 (hg19) VCF-style: chr12-133218907-G-A.
Other names: c.5029C>T (NM_006231.2); short protein forms L1677F.
Identifiers: ClinVar variation 4745630 (VCV004745630.2).